The following is an entry in ClinVar:

NM_000540.3(RYR1):c.4074G>C (p.Gly1358=)

Gene: RYR1 (ryanodine receptor 1; plus strand). Cytogenetic location: 19q13.2.
Variant type: single nucleotide variant.
Coding change: c.4074G>C on transcript NM_000540.3 (MANE Select); coding-DNA position 4074, G replaced by C.
Protein change: p.Gly1358=; no amino-acid change (glycine 1358 retained).
Molecular consequence: synonymous variant.
Genome position (GRCh38, 1-based): chr19:38,473,685, G>C. VCF-style: chr19-38473685-G-C. GRCh37 (hg19) VCF-style: chr19-38964325-G-C.
Other names: c.4074G>C, p.Gly1358= (NM_001042723.2).
Identifiers: ClinVar variation 3019514 (VCV003019514.4), dbSNP rs372178862, ClinGen allele CA507353248.
Genomic context (GRCh38, chr19:38,473,685, plus strand): 5'-TGGGGGCTGGAGCGAGGCAGAGAACGGCAAAGAAGGGACTGCGAAGGAGGGCGCCCCCGG[G>C]GGCACCCCGCAGGCGGGGGGAGAGGCGCAGCCCGCCAGGGCGGAGAATGAGAAGGATGCC-3'
Protein context (NP_000531.2, residues 1348-1368): KEGTAKEGAP[Gly1358=]GTPQAGGEAQ

ClinVar aggregate classification (germline): Conflicting classifications of pathogenicity. Review status: criteria provided, conflicting classifications (1 of 4 stars). 2 submissions from 2 submitters: Uncertain significance (1); Likely benign (1). Last evaluated 2023-10-22.

Conditions:
Malignant hyperthermia, susceptibility to, 1 (MHS1). Also called: Anesthesia related hyperthermia; Malignant hyperpyrexia; Fulminating hyperpyrexia; Pharmacogenic myopathy; RYR1-Related Malignant Hyperthermia Susceptibility; Malignant hyperthermia suceptibility 1. Identifiers: Orphanet 423, MedGen C2930980, MONDO:0007783, OMIM 145600.
RYR1-related disorder. Also called: RYR1-related disorders; RYR1-related condition. Identifiers: MedGen CN239331.

Submissions (2):

Labcorp Genetics (formerly Invitae), Labcorp
Classification: Likely benign for RYR1-related disorder. Last evaluated: 2023-10-22. Review status: criteria provided, single submitter. Criteria: Invitae Variant Classification Sherloc (09022015). Collection method: clinical testing. Allele origin: germline.

All of Us Research Program, National Institutes of Health
Classification: Uncertain significance for Malignant hyperthermia, susceptibility to, 1. Last evaluated: 2023-08-15. Review status: criteria provided, single submitter. Criteria: ACMG Guidelines, 2015. Collection method: clinical testing. Allele origin: germline. Inheritance: Autosomal dominant inheritance. Observed: 2 variant alleles, 2 heterozygotes.
Comment: This variant is located in the RYR1 protein. To our knowledge, functional studies have not been reported for this variant. This variant has not been reported in individuals affected with RYR1-related disorders in the literature. This variant has not been identified in the general population by the Genome Aggregation Database (gnomAD). The available evidence is insufficient to determine the role of this variant in disease conclusively. Therefore, this variant is classified as a Variant of Uncertain Significance.

This study involves interpretation of variants in research participants for the purpose of population health screening. Participant phenotype was not available at the time of variant classification. Additional details can be found in publication PMID: 35346344, PMCID: PMC8962531